The following is an entry in ClinVar:

ClinVar aggregate classification (germline): Uncertain significance (1 of 4 stars; one submission).

Conditions:
Glucose-6-phosphate transport defect (GSD1B). Also called: Glycogen Storage Disease Type Ib; GSD Ib. Identifiers: Orphanet 364, Orphanet 79259, MedGen C0268146, MONDO:0009288, OMIM 232220.

Submission:

Labcorp Genetics (formerly Invitae), Labcorp
Classification: Uncertain significance for Glucose-6-phosphate transport defect. Last evaluated: 2018-06-13. Review status: criteria provided, single submitter. Criteria: Invitae Variant Classification Sherloc (09022015). Collection method: clinical testing. Allele origin: germline.
Comment: This variant has not been reported in the literature in individuals with SLC37A4-related disease. In summary, the available evidence is currently insufficient to determine the role of this variant in disease. Therefore, it has been classified as a Variant of Uncertain Significance. Algorithms developed to predict the effect of missense changes on protein structure and function (SIFT, PolyPhen-2, Align-GVGD) all suggest that this variant is likely to be tolerated, but these predictions have not been confirmed by published functional studies and their clinical significance is uncertain. This variant is not present in population databases (ExAC no frequency). This sequence change replaces aspartic acid with glutamic acid at codon 200 of the SLC37A4 protein (p.Asp200Glu). The aspartic acid residue is moderately conserved and there is a small physicochemical difference between aspartic acid and glutamic acid.

NM_001164277.2(SLC37A4):c.600C>G (p.Asp200Glu)

Gene: SLC37A4 (solute carrier family 37 member 4; minus strand). Cytogenetic location: 11q23.3.
Variant type: single nucleotide variant.
Coding change: c.600C>G on transcript NM_001164277.2 (MANE Select); coding-DNA position 600, C replaced by G.
Protein change: p.Asp200Glu; replaces aspartic acid 200 with glutamic acid.
Molecular consequence: missense variant.
Genome position (GRCh38, 1-based): chr11:119,027,653, G>C on the plus strand (C>G on the coding strand, the complement: SLC37A4 is on the minus strand). VCF-style: chr11-119027653-G-C. GRCh37 (hg19) VCF-style: chr11-118898363-G-C.
Other names: c.600C>G, p.Asp200Glu (NM_001164278.2, NM_001164280.2, NM_001467.6); c.381C>G, p.Asp127Glu (NM_001164279.2); short protein forms D200E, D127E.
Identifiers: ClinVar variation 574430 (VCV000574430.7), dbSNP rs1565689207, ClinGen allele CA382901951.